The following is an entry in ClinVar:

NM_004482.4(GALNT3):c.781C>G (p.Arg261Gly)

Gene: GALNT3 (polypeptide N-acetylgalactosaminyltransferase 3; minus strand). Cytogenetic location: 2q24.3.
Variant type: single nucleotide variant.
Coding change: c.781C>G on transcript NM_004482.4 (MANE Select); coding-DNA position 781, C replaced by G.
Protein change: p.Arg261Gly; replaces arginine 261 with glycine.
Molecular consequence: missense variant.
Genome position (GRCh38, 1-based): chr2:165,761,962, G>C on the plus strand (C>G on the coding strand, the complement: GALNT3 is on the minus strand). VCF-style: chr2-165761962-G-C. GRCh37 (hg19) VCF-style: chr2-166618472-G-C.
Other names: c.781C>G (NM_004482.3); short protein forms R261G.
Identifiers: ClinVar variation 3009092 (VCV003009092.4), dbSNP rs1217836655, ClinGen allele CA349039854.
Genomic context (GRCh38, chr2:165,761,962, plus strand): 5'-TACAGTGAGCATCTAAAAATGTGAGCGTTTCAGCTGTTGCGACTGTTGCTCCTAGCAACC[G>C]AGCAGTGATCAGACCTTTTCTTTCTCTTTGTCTGACTATTTTTACTATAGAAAATTGTTT-3'
Protein context (NP_004473.2, residues 251-271): QRERKGLITA[Arg261Gly]LLGATVATAE

ClinVar aggregate classification (germline): Uncertain significance. Review status: criteria provided, multiple submitters, no conflicts (2 of 4 stars). 2 submissions from 2 submitters: Uncertain significance (2). Last evaluated 2025-01-29.

Conditions:
Inborn genetic diseases. Identifiers: MedGen C0950123, MeSH D030342.

gnomAD v4.1: 3 of 1,613,856 alleles (0.00019%); highest among the groups gnomAD compares: Admixed American, 0.0033%; no homozygotes.

Submissions (2):

Ambry Genetics
Classification: Uncertain significance for Inborn genetic diseases. Last evaluated: 2025-01-29. Review status: criteria provided, single submitter. Criteria: Ambry Variant Classification Scheme 2023. Collection method: clinical testing. Allele origin: germline.

Labcorp Genetics (formerly Invitae), Labcorp
Classification: Uncertain significance. Last evaluated: 2023-12-21. Review status: criteria provided, single submitter. Criteria: Invitae Variant Classification Sherloc (09022015). Collection method: clinical testing. Allele origin: germline.
Comment: This sequence change replaces arginine, which is basic and polar, with glycine, which is neutral and non-polar, at codon 261 of the GALNT3 protein (p.Arg261Gly). This variant is present in population databases (no rsID available, gnomAD 0.006%). This missense change has been observed in individual(s) with tumoral calcinosis (Invitae). Advanced modeling of protein sequence and biophysical properties (such as structural, functional, and spatial information, amino acid conservation, physicochemical variation, residue mobility, and thermodynamic stability) performed at Invitae indicates that this missense variant is expected to disrupt GALNT3 protein function with a positive predictive value of 80%. This variant disrupts the p.Arg261 amino acid residue in GALNT3. Other variant(s) that disrupt this residue have been observed in individuals with GALNT3-related conditions (PMID: 32125652), which suggests that this may be a clinically significant amino acid residue. In summary, the available evidence is currently insufficient to determine the role of this variant in disease. Therefore, it has been classified as a Variant of Uncertain Significance.

Literature cited by the submitters: PubMed 32125652 (cited by Labcorp Genetics (formerly Invitae), Labcorp).